The following is an entry in ClinVar:

NM_000553.6(WRN):c.2546_2547dup (p.Gln850fs)

Gene: WRN (WRN RecQ like helicase; plus strand). Cytogenetic location: 8p12.
Variant type: Duplication.
Coding change: c.2546_2547dup on transcript NM_000553.6 (MANE Select); coding-DNA positions 2546 to 2547, 2 bases duplicated (AT; older notation c.2546_2547dupAT).
Protein change: p.Gln850fs; shifts the reading frame from glutamine 850.
Molecular consequence: frameshift variant.
Genome position (GRCh38, 1-based): chr8:31,120,340-31,120,341, AT duplicated; duplicating any 2 consecutive bases within chr8:31,120,339-31,120,341 gives the same sequence; the c. name uses the placement nearest the transcript's 3' end. VCF-style (leftmost placement, unchanged base first): chr8-31120338-T-TTA. GRCh37 (hg19) VCF-style: chr8-30977854-T-TTA.
Other names: short protein forms Q850fs.
Identifiers: ClinVar variation 238140 (VCV000238140.6), dbSNP rs878854136, ClinGen allele CA10582582.

ClinVar aggregate classification (germline): Pathogenic (1 of 4 stars; one submission).

Conditions:
Werner syndrome (WRN). Identifiers: Orphanet 902, MedGen C0043119, MONDO:0010196, OMIM 277700.

Submission:

Labcorp Genetics (formerly Invitae), Labcorp
Classification: Pathogenic for Werner syndrome. Last evaluated: 2018-08-29. Review status: criteria provided, single submitter. Criteria: Invitae Variant Classification Sherloc (09022015). Collection method: clinical testing. Allele origin: germline.
Comment: This variant has not been reported in the literature in individuals with WRN-related disease. ClinVar contains an entry for this variant (Variation ID: 238140). This sequence change creates a premature translational stop signal (p.Gln850Ilefs*27) in the WRN gene. It is expected to result in an absent or disrupted protein product. This variant is not present in population databases (ExAC no frequency). Loss-of-function variants in WRN are known to be pathogenic (PMID: 16673358). For these reasons, this variant has been classified as Pathogenic.

Literature cited by the submitters: PubMed 16673358.